The following is an entry in ClinVar:

ClinVar aggregate classification (germline): Uncertain significance (1 of 4 stars; one submission).

Conditions:
Primary ciliary dyskinesia. Also called: Ciliary dyskinesia. Identifiers: Orphanet 244, MedGen C0008780, MONDO:0016575, HP:0012265.

Submission:

Labcorp Genetics (formerly Invitae), Labcorp
Classification: Uncertain significance for Primary ciliary dyskinesia. Last evaluated: 2025-09-07. Review status: criteria provided, single submitter. Criteria: Invitae Variant Classification Sherloc (09022015). Collection method: clinical testing. Allele origin: germline.
Comment: This sequence change replaces alanine, which is neutral and non-polar, with threonine, which is neutral and polar, at codon 644 of the DRC1 protein (p.Ala644Thr). This variant is not present in population databases (gnomAD no frequency). This variant has not been reported in the literature in individuals affected with DRC1-related conditions. An algorithm developed to predict the effect of missense changes on protein structure and function outputs the following: PolyPhen-2: "Benign". The threonine amino acid residue is found in multiple mammalian species, which suggests that this missense change does not adversely affect protein function. In summary, the available evidence is currently insufficient to determine the role of this variant in disease. Therefore, it has been classified as a Variant of Uncertain Significance.

NM_145038.5(DRC1):c.1930G>A (p.Ala644Thr)

Gene: DRC1 (dynein regulatory complex subunit 1; plus strand). Cytogenetic location: 2p23.3.
Variant type: single nucleotide variant.
Coding change: c.1930G>A on transcript NM_145038.5 (MANE Select); coding-DNA position 1930, G replaced by A.
Protein change: p.Ala644Thr; replaces alanine 644 with threonine.
Molecular consequence: missense variant.
Genome position (GRCh38, 1-based): chr2:26,454,657, G>A. VCF-style: chr2-26454657-G-A. GRCh37 (hg19) VCF-style: chr2-26677525-G-A.
Other names: short protein forms A644T.
Identifiers: ClinVar variation 4804482 (VCV004804482.1).
Genomic context (GRCh38, chr2:26,454,657, plus strand): 5'-CCTGGGTAGTACCCAATGGACATGACAATCACTGTGCTCTTGGCCTTCAGGGACTCGCGG[G>A]CCCCGCTGAGGGTACAGAAGAATGTGCGTGACAACTCCAAGGACTCGGAGTACTGGCAGG-3'
Protein context (NP_659475.2, residues 634-654): MGLKKPRDSR[Ala644Thr]PLRVQKNVRD